The following is an entry in ClinVar:

ClinVar aggregate classification (germline): Benign/Likely benign. Review status: criteria provided, multiple submitters, no conflicts (2 of 4 stars). 5 submissions from 5 submitters: Benign (1); Likely benign (4). Last evaluated 2026-01-18.

Conditions:
Hereditary nonpolyposis colorectal neoplasms. Identifiers: MedGen C0009405, MeSH D003123.
Hereditary cancer-predisposing syndrome. Also called: Neoplastic Syndromes, Hereditary; Tumor predisposition; Hereditary Cancer Syndrome; Hereditary neoplastic syndrome. Identifiers: Orphanet 140162, MedGen C0027672, MeSH D009386, MONDO:0015356.
Lynch syndrome. Identifiers: Orphanet 144, MedGen C4552100, MONDO:0005835. Disease mechanism: loss of function.
Lynch syndrome 5 (LYNCH5). Also called: Colorectal cancer, hereditary nonpolyposis, type 5; Hereditary non-polyposis colorectal cancer, type 5. Identifiers: Orphanet 144, MedGen C1833477, MONDO:0013710, OMIM 614350. Disease mechanism: loss of function.

Allele frequency attached by ClinVar (database versions not stated): gnomAD exomes 0.00001 and 0.00002; TOPMed 0.00001; ExAC 0.00003.
gnomAD v4.1: 7 of 1,560,038 alleles (0.00045%); highest among the groups gnomAD compares: Non-Finnish European, 0.00061%; no homozygotes.

Submissions (5):

Labcorp Genetics (formerly Invitae), Labcorp
Classification: Likely benign for Hereditary nonpolyposis colorectal neoplasms. Last evaluated: 2026-01-18. Review status: criteria provided, single submitter. Criteria: Invitae Variant Classification Sherloc (09022015). Collection method: clinical testing. Allele origin: germline.

Myriad Genetics, Inc.
Classification: Benign for Lynch syndrome 5. Last evaluated: 2025-01-02. Review status: criteria provided, single submitter. Criteria: Myriad Autosomal Dominant, Autosomal Recessive and X-Linked Classification Criteria (2023). Collection method: clinical testing. Allele origin: unknown.
Comment: This variant is considered benign. This variant is a silent/synonymous amino acid change and it is not expected to impact splicing.

All of Us Research Program, National Institutes of Health
Classification: Likely benign for Lynch syndrome. Last evaluated: 2023-07-13. Review status: criteria provided, single submitter. Criteria: ACMG Guidelines, 2015. Collection method: clinical testing. Allele origin: germline. Inheritance: Autosomal dominant inheritance. Observed: 2 variant alleles, 2 heterozygotes.
Comment: This study involves interpretation of variants in research participants for the purpose of population health screening. Participant phenotype was not available at the time of variant classification. Additional details can be found in publication PMID: 35346344, PMCID: PMC8962531

Ambry Genetics
Classification: Likely benign for Hereditary cancer-predisposing syndrome. Last evaluated: 2020-01-31. Review status: criteria provided, single submitter. Criteria: Ambry Variant Classification Scheme 2023. Collection method: clinical testing. Allele origin: germline.

Color Diagnostics, LLC DBA Color Health
Classification: Likely benign for Hereditary cancer-predisposing syndrome. Last evaluated: 2017-12-04. Review status: criteria provided, single submitter. Criteria: ACMG Guidelines, 2015. Collection method: clinical testing. Allele origin: germline.

NM_000179.3(MSH6):c.2997C>T (p.Thr999=)

Gene: MSH6 (mutS homolog 6; plus strand). Cytogenetic location: 2p16.3.
Variant type: single nucleotide variant.
Coding change: c.2997C>T on transcript NM_000179.3 (MANE Select); coding-DNA position 2997, C replaced by T.
Protein change: p.Thr999=; no amino-acid change (threonine 999 retained).
Molecular consequence: synonymous variant.
Genome position (GRCh38, 1-based): chr2:47,800,980, C>T. VCF-style: chr2-47800980-C-T. GRCh37 (hg19) VCF-style: chr2-48028119-C-T.
Other names: c.2607C>T, p.Thr869= (NM_001281492.2); c.2091C>T, p.Thr697= (NM_001281493.2, NM_001281494.2).
Identifiers: ClinVar variation 525937 (VCV000525937.18), dbSNP rs751279827, ClinGen allele CA069937.